The following is an entry in ClinVar:

ClinVar aggregate classification (germline): Uncertain significance (1 of 4 stars; one submission).

Allele frequency attached by ClinVar (database versions not stated): gnomAD exomes below 0.00001.
gnomAD v4.1: 1 of 1,614,150 alleles (0.000062%); highest among the groups gnomAD compares: Non-Finnish European, 0.000085%; no homozygotes.

Submission:

GeneDx
Classification: Uncertain significance. Last evaluated: 2022-01-20. Review status: criteria provided, single submitter. Criteria: GeneDx Variant Classification Process June 2021. Collection method: clinical testing. Allele origin: germline. Affected: yes.
Comment: Not observed at significant frequency in large population cohorts (gnomAD); In silico analysis supports that this missense variant has a deleterious effect on protein structure/function; Has not been previously published as pathogenic or benign to our knowledge

NM_001690.4(ATP6V1A):c.493A>G (p.Lys165Glu)

Gene: ATP6V1A (ATPase H+ transporting V1 subunit A; plus strand). Cytogenetic location: 3q13.31.
Variant type: single nucleotide variant.
Coding change: c.493A>G on transcript NM_001690.4 (MANE Select); coding-DNA position 493, A replaced by G.
Protein change: p.Lys165Glu; replaces lysine 165 with glutamic acid.
Molecular consequence: missense variant.
Genome position (GRCh38, 1-based): chr3:113,784,762, A>G. VCF-style: chr3-113784762-A-G. GRCh37 (hg19) VCF-style: chr3-113503609-A-G.
Other names: short protein forms K165E.
Identifiers: ClinVar variation 1698139 (VCV001698139.2), dbSNP rs2108030006, ClinGen allele CA354009518.
Genomic context (GRCh38, chr3:113,784,762, plus strand): 5'-AGTCATATCACTGGCGGAGACATTTATGGAATTGTCAGTGAGAACTCGCTTATCAAACAC[A>G]AAATCATGTTACCCCCACGAAACAGAGGAACTGTAACTTACATTGCTCCACCTGGGAATT-3'
Protein context (NP_001681.2, residues 155-175): IVSENSLIKH[Lys165Glu]IMLPPRNRGT